The following is an entry in ClinVar:

ClinVar aggregate classification (germline): Uncertain significance (1 of 4 stars; one submission).

Conditions:
Inborn genetic diseases. Identifiers: MedGen C0950123, MeSH D030342.

gnomAD v4.1: 18 of 1,612,298 alleles (0.0011%); highest among the groups gnomAD compares: Admixed American, 0.028%; no homozygotes.

Submission:

Ambry Genetics
Classification: Uncertain significance for Inborn genetic diseases. Last evaluated: 2026-08-26. Review status: criteria provided, single submitter. Criteria: Ambry Variant Classification Scheme 2023. Collection method: clinical testing. Allele origin: germline.
Comment: The p.K9E variant (also known as c.25A>G), located in coding exon 1 of the DDX41 gene, results from an A to G substitution at nucleotide position 25. The lysine at codon 9 is replaced by glutamic acid, an amino acid with similar properties. This amino acid position is highly conserved in available vertebrate species. In addition, this alteration is predicted to be tolerated by in silico analysis. Based on the available evidence, the clinical significance of this variant remains unclear.

NM_016222.4(DDX41):c.25A>G (p.Lys9Glu)

Gene: DDX41 (DEAD-box helicase 41; minus strand). Cytogenetic location: 5q35.3.
Variant type: single nucleotide variant.
Coding change: c.25A>G on transcript NM_016222.4 (MANE Select); coding-DNA position 25, A replaced by G.
Protein change: p.Lys9Glu; replaces lysine 9 with glutamic acid.
Molecular consequence: missense variant. On other transcripts: 5 prime UTR variant (2).
Genome position (GRCh38, 1-based): chr5:177,516,921, T>C on the plus strand (A>G on the coding strand, the complement: DDX41 is on the minus strand). VCF-style: chr5-177516921-T-C. GRCh37 (hg19) VCF-style: chr5-176943922-T-C.
Other names: c.-631A>G (NM_001321732.2); c.-423A>G (NM_001321830.2); short protein forms K9E.
Identifiers: ClinVar variation 5035130 (VCV005035130.1).